The following is an entry in ClinVar:

NM_174936.4(PCSK9):c.755T>G (p.Val252Gly)

Gene: PCSK9 (proprotein convertase subtilisin/kexin type 9; plus strand). Cytogenetic location: 1p32.3.
Variant type: single nucleotide variant.
Coding change: c.755T>G on transcript NM_174936.4 (MANE Select); coding-DNA position 755, T replaced by G.
Protein change: p.Val252Gly; replaces valine 252 with glycine.
Molecular consequence: missense variant. On other transcripts: non-coding transcript variant (8).
Genome position (GRCh38, 1-based): chr1:55,052,747, T>G. VCF-style: chr1-55052747-T-G. GRCh37 (hg19) VCF-style: chr1-55518420-T-G.
Other names: c.878T>G, p.Val293Gly (NM_001407240.1); c.755T>G, p.Val252Gly (NM_001407241.1, NM_001407244.1, NM_001407247.1); c.758T>G, p.Val253Gly (NM_001407242.1); c.698T>G, p.Val233Gly (NM_001407243.1); c.563T>G, p.Val188Gly (NM_001407245.1); c.380T>G, p.Val127Gly (NM_001407246.1); short protein forms V127G, V188G, V233G, V252G, V253G, V293G.
Identifiers: ClinVar variation 4756241 (VCV004756241.1).

ClinVar aggregate classification (germline): Uncertain significance (1 of 4 stars; one submission).

Conditions:
Familial hypercholesterolemia. Also called: Familial hypercholesterolaemia. Identifiers: MedGen C0020445, MONDO:0005439.

gnomAD v4.1: 1 of 1,613,132 alleles (0.000062%); highest among the groups gnomAD compares: Non-Finnish European, 0.000085%; no homozygotes.

Submission:

Color Diagnostics, LLC DBA Color Health
Classification: Uncertain significance for Familial hypercholesterolemia. Last evaluated: 2025-08-17. Review status: criteria provided, single submitter. Criteria: ACMG Guidelines, 2015. Collection method: clinical testing. Allele origin: germline.
Comment: This missense variant replaces valine with glycine at codon 252 of the PCSK9 protein. Computational prediction suggests that this variant may have deleterious impact on protein structure and function. To our knowledge, functional studies have not been reported for this variant. This variant has not been reported in individuals affected with PCSK9-related disorders in the literature. This variant has not been identified in the general population by the Genome Aggregation Database (gnomAD). The available evidence is insufficient to determine the role of this variant in disease conclusively. Therefore, this variant is classified as a Variant of Uncertain Significance.